The following is an entry in ClinVar:

NM_000426.4(LAMA2):c.5480A>G (p.Gln1827Arg)

Gene: LAMA2 (laminin subunit alpha 2; plus strand). Cytogenetic location: 6q22.33.
Variant type: single nucleotide variant.
Coding change: c.5480A>G on transcript NM_000426.4 (MANE Select); coding-DNA position 5480, A replaced by G.
Protein change: p.Gln1827Arg; replaces glutamine 1827 with arginine.
Molecular consequence: missense variant.
Genome position (GRCh38, 1-based): chr6:129,401,258, A>G. VCF-style: chr6-129401258-A-G. GRCh37 (hg19) VCF-style: chr6-129722403-A-G.
Other names: c.5480A>G, p.Gln1827Arg (NM_001079823.2); short protein forms Q1827R.
Identifiers: ClinVar variation 2863532 (VCV002863532.1), dbSNP rs1011081692, ClinGen allele CA146890862.

ClinVar aggregate classification (germline): Uncertain significance (1 of 4 stars; one submission).

Conditions:
LAMA2-related muscular dystrophy (LAMA2-RD). Also called: Laminin alpha 2-related dystrophy. Identifiers: MedGen C5679788, MONDO:0100228.

Allele frequency attached by ClinVar (database versions not stated): gnomAD exomes below 0.00001; TOPMed below 0.00001.
gnomAD v4.1: 2 of 1,612,328 alleles (0.00012%); highest among the groups gnomAD compares: Non-Finnish European, 0.00017%; no homozygotes.

Submission:

Labcorp Genetics (formerly Invitae), Labcorp
Classification: Uncertain significance for LAMA2-related muscular dystrophy. Last evaluated: 2023-05-07. Review status: criteria provided, single submitter. Criteria: Invitae Variant Classification Sherloc (09022015). Collection method: clinical testing. Allele origin: germline.
Comment: In summary, the available evidence is currently insufficient to determine the role of this variant in disease. Therefore, it has been classified as a Variant of Uncertain Significance. Advanced modeling of protein sequence and biophysical properties (such as structural, functional, and spatial information, amino acid conservation, physicochemical variation, residue mobility, and thermodynamic stability) performed at Invitae indicates that this missense variant is not expected to disrupt LAMA2 protein function. This variant has not been reported in the literature in individuals affected with LAMA2-related conditions. This variant is not present in population databases (gnomAD no frequency). This sequence change replaces glutamine, which is neutral and polar, with arginine, which is basic and polar, at codon 1827 of the LAMA2 protein (p.Gln1827Arg).